The following is an entry in ClinVar:

NM_006265.3(RAD21):c.814+6C>G

Gene: RAD21 (RAD21 cohesin complex component; minus strand). Cytogenetic location: 8q24.11.
Variant type: single nucleotide variant.
Coding change: c.814+6C>G on transcript NM_006265.3 (MANE Select); 6 bases into the intron after coding-DNA position 814, C replaced by G.
Molecular consequence: intron variant.
Genome position (GRCh38, 1-based): chr8:116,856,640, G>C on the plus strand (C>G on the coding strand, the complement: RAD21 is on the minus strand). VCF-style: chr8-116856640-G-C. GRCh37 (hg19) VCF-style: chr8-117868879-G-C.
Identifiers: ClinVar variation 2726706 (VCV002726706.3), dbSNP rs375138699, ClinGen allele CA4853000.
Genomic context (GRCh38, chr8:116,856,640, plus strand): 5'-CTATGGTAAGTATCTTTCTGGATGCCATACAATCATCCCCAGAATCACTGAACATGAAAT[G>C]CTTACTTGATACATTATCATCCTCATCCATATCGTCATGTGCAGGCTGCTCTGGCAACAT-3'

ClinVar aggregate classification (germline): Uncertain significance (1 of 4 stars; one submission).

Conditions:
Cornelia de Lange syndrome 4 (CDLS4). Also called: RAD21-Related Cornelia de Lange Syndrome; CORNELIA DE LANGE SYNDROME 4 WITH OR WITHOUT MIDLINE BRAIN DEFECTS. Identifiers: Orphanet 199, MedGen C3553517, MONDO:0013864, OMIM 614701.

Allele frequency attached by ClinVar (database versions not stated): ExAC 0.00001; TOPMed 0.00003; gnomAD 0.00004; gnomAD exomes 0.00005; ESP Exome Variant Server 0.00008.
gnomAD v4.1: 79 of 1,582,172 alleles (0.005%); highest among the groups gnomAD compares: Non-Finnish European, 0.0066%; no homozygotes.

Submission:

Labcorp Genetics (formerly Invitae), Labcorp
Classification: Uncertain significance for Cornelia de Lange syndrome 4. Last evaluated: 2025-11-28. Review status: criteria provided, single submitter. Criteria: Invitae Variant Classification Sherloc (09022015). Collection method: clinical testing. Allele origin: germline.
Comment: This sequence change falls in intron 7 of the RAD21 gene. It does not directly change the encoded amino acid sequence of the RAD21 protein. It affects a nucleotide within the consensus splice site. This variant is present in population databases (rs375138699, gnomAD 0.006%). This variant has not been reported in the literature in individuals affected with RAD21-related conditions. ClinVar contains an entry for this variant (Variation ID: 2726706). Variants that disrupt the consensus splice site are a relatively common cause of aberrant splicing (PMID: 17576681, 9536098). Algorithms developed to predict the effect of sequence changes on RNA splicing suggest that this variant is not likely to affect RNA splicing. In summary, the available evidence is currently insufficient to determine the role of this variant in disease. Therefore, it has been classified as a Variant of Uncertain Significance.

Literature cited by the submitters: PubMed 17576681; PubMed 9536098.